The following is an entry in ClinVar:

NM_006231.4(POLE):c.5287C>G (p.Gln1763Glu)

Gene: POLE (DNA polymerase epsilon, catalytic subunit; minus strand). Cytogenetic location: 12q24.33.
Variant type: single nucleotide variant.
Coding change: c.5287C>G on transcript NM_006231.4 (MANE Select); coding-DNA position 5287, C replaced by G.
Protein change: p.Gln1763Glu; replaces glutamine 1763 with glutamic acid.
Molecular consequence: missense variant.
Genome position (GRCh38, 1-based): chr12:132,641,738, G>C on the plus strand (C>G on the coding strand, the complement: POLE is on the minus strand). VCF-style: chr12-132641738-G-C. GRCh37 (hg19) VCF-style: chr12-133218324-G-C.
Other names: short protein forms Q1763E.
Identifiers: ClinVar variation 1746598 (VCV001746598.3), dbSNP rs369742417, ClinGen allele CA387376141.

ClinVar aggregate classification (germline): Uncertain significance. Review status: criteria provided, multiple submitters, no conflicts (2 of 4 stars). 2 submissions from 2 submitters: Uncertain significance (2). Last evaluated 2025-08-26.

Conditions:
Hereditary cancer-predisposing syndrome. Also called: Hereditary Cancer Syndrome; Neoplastic Syndromes, Hereditary; Tumor predisposition; Hereditary neoplastic syndrome. Identifiers: Orphanet 140162, MedGen C0027672, MeSH D009386, MONDO:0015356.

Submissions (2):

Labcorp Genetics (formerly Invitae), Labcorp
Classification: Uncertain significance. Last evaluated: 2025-08-26. Review status: criteria provided, single submitter. Criteria: Invitae Variant Classification Sherloc (09022015). Collection method: clinical testing. Allele origin: germline.
Comment: This sequence change replaces glutamine, which is neutral and polar, with glutamic acid, which is acidic and polar, at codon 1763 of the POLE protein (p.Gln1763Glu). This variant is not present in population databases (gnomAD no frequency). This variant has not been reported in the literature in individuals affected with POLE-related conditions. ClinVar contains an entry for this variant (Variation ID: 1746598). Invitae Evidence Modeling of protein sequence and biophysical properties (such as structural, functional, and spatial information, amino acid conservation, physicochemical variation, residue mobility, and thermodynamic stability) indicates that this missense variant is not expected to disrupt POLE protein function with a negative predictive value of 80%. In summary, the available evidence is currently insufficient to determine the role of this variant in disease. Therefore, it has been classified as a Variant of Uncertain Significance.

Ambry Genetics
Classification: Uncertain significance for Hereditary cancer-predisposing syndrome. Last evaluated: 2022-02-12. Review status: criteria provided, single submitter. Criteria: Ambry Variant Classification Scheme 2023. Collection method: clinical testing. Allele origin: germline.
Comment: The p.Q1763E variant (also known as c.5287C>G), located in coding exon 39 of the POLE gene, results from a C to G substitution at nucleotide position 5287. The glutamine at codon 1763 is replaced by glutamic acid, an amino acid with highly similar properties. This amino acid position is conserved. In addition, this alteration is predicted to be tolerated by in silico analysis. Since supporting evidence is limited at this time, the clinical significance of this alteration remains unclear.